The following is an entry in ClinVar:

NM_007294.4(BRCA1):c.163A>C (p.Lys55Gln)

Gene: BRCA1 (BRCA1 DNA repair associated; minus strand). Cytogenetic location: 17q21.31.
Variant type: single nucleotide variant.
Coding change: c.163A>C on transcript NM_007294.4 (MANE Select); coding-DNA position 163, A replaced by C.
Protein change: p.Lys55Gln; replaces lysine 55 with glutamine.
Molecular consequence: missense variant. On other transcripts: non-coding transcript variant (1).
Genome position (GRCh38, 1-based): chr17:43,106,505, T>G on the plus strand (A>C on the coding strand, the complement: BRCA1 is on the minus strand). VCF-style: chr17-43106505-T-G. GRCh37 (hg19) VCF-style: chr17-41258522-T-G.
Other names: c.22A>C, p.Lys8Gln (NM_001407698.1, NM_001407724.1, NM_001407725.1 and 99 more transcripts); c.-26A>C (NM_001407853.1, NM_001407879.1, NM_001407881.1 and 58 more transcripts); c.163A>C, p.Lys55Gln (NM_001407854.1, NM_001407858.1, NM_001407859.1 and 168 more transcripts); short protein forms K8Q, K55Q.
Identifiers: ClinVar variation 865215 (VCV000865215.3), dbSNP rs2054787010, ClinGen allele CA10601832.

Conditions:
Breast-ovarian cancer, familial, susceptibility to, 1 (BROVCA1). Also called: BRCA1 Hereditary Breast and Ovarian Cancer; OVARIAN CANCER, SUSCEPTIBILITY TO. Identifiers: Orphanet 145, MedGen C2676676, MONDO:0011450, OMIM 604370. Disease mechanism: loss of function.

Submission:

Brotman Baty Institute, University of Washington
No classification provided (evidence only). Condition: Breast-ovarian cancer, familial 1. Review status: no classification provided. Collection method: in vitro. Allele origin: not applicable. Functional consequence: functionally_normal.
ClinVar note: "not provided" was previously submitted as the classification for the variant. However, the classification appeared to be based only on an observation of functional data so it was converted to no classification on 2025-07-30.